The following is an entry in ClinVar:

ClinVar aggregate classification (germline): Uncertain significance (1 of 4 stars; one submission).

Submission:

Labcorp Genetics (formerly Invitae), Labcorp
Classification: Uncertain significance. Last evaluated: 2025-12-14. Review status: criteria provided, single submitter. Criteria: Invitae Variant Classification Sherloc (09022015). Collection method: clinical testing. Allele origin: germline.
Comment: This sequence change replaces valine, which is neutral and non-polar, with alanine, which is neutral and non-polar, at codon 88 of the ACAN protein (p.Val88Ala). This variant is not present in population databases (gnomAD no frequency). This variant has not been reported in the literature in individuals affected with ACAN-related conditions. Invitae Evidence Modeling of protein sequence and biophysical properties (such as structural, functional, and spatial information, amino acid conservation, physicochemical variation, residue mobility, and thermodynamic stability) indicates that this missense variant is not expected to disrupt ACAN protein function with a negative predictive value of 80%. In summary, the available evidence is currently insufficient to determine the role of this variant in disease. Therefore, it has been classified as a Variant of Uncertain Significance.

NM_001369268.1(ACAN):c.263T>C (p.Val88Ala)

Gene: ACAN (aggrecan; plus strand). Cytogenetic location: 15q26.1.
Variant type: single nucleotide variant.
Coding change: c.263T>C on transcript NM_001369268.1 (MANE Select); coding-DNA position 263, T replaced by C.
Protein change: p.Val88Ala; replaces valine 88 with alanine.
Molecular consequence: missense variant.
Genome position (GRCh38, 1-based): chr15:88,838,855, T>C. VCF-style: chr15-88838855-T-C. GRCh37 (hg19) VCF-style: chr15-89382086-T-C.
Other names: c.263T>C, p.Val88Ala (NM_001135.4, NM_001411096.1, NM_001411097.1 and 1 more transcripts); short protein forms V88A.
Identifiers: ClinVar variation 4707396 (VCV004707396.1).